The following is an entry in ClinVar:

NM_006767.4(LZTR1):c.2488_2491dup (p.Lys831fs)

Gene: LZTR1 (leucine zipper like post translational regulator 1; plus strand). Cytogenetic location: 22q11.21.
Variant type: Duplication.
Coding change: c.2488_2491dup on transcript NM_006767.4 (MANE Select); coding-DNA positions 2488 to 2491, 4 bases duplicated (GACA; older notation c.2488_2491dupGACA).
Protein change: p.Lys831fs; shifts the reading frame from lysine 831.
Molecular consequence: frameshift variant.
Genome position (GRCh38, 1-based): chr22:20,997,313-20,997,316, GACA duplicated; duplicating any 4 consecutive bases within chr22:20,997,311-20,997,316 gives the same sequence; the c. name uses the placement nearest the transcript's 3' end. VCF-style (leftmost placement, unchanged base first): chr22-20997310-T-TCAGA. GRCh37 (hg19) VCF-style: chr22-21351599-T-TCAGA.
Other names: short protein forms K831fs.
Identifiers: ClinVar variation 4859382 (VCV004859382.1).
Genomic context (GRCh38, chr22:20,997,310, plus strand): 5'-CTGCGGTCGCTGAGCCAGCAGCTGCTGCTGGACATCATAGACTCCCTGGCCTCCCACATC[T>TCAGA]CAGACAAGCAGTGCGCAGAGCTGGGCGCCGACATCTGAGGCCCTGTGGCGCCTGCCCATT-3'

ClinVar aggregate classification (germline): Uncertain significance (1 of 4 stars; one submission).

Conditions:
Cardiovascular phenotype. Identifiers: MedGen CN230736.
Hereditary cancer-predisposing syndrome. Also called: Neoplastic Syndromes, Hereditary; Tumor predisposition; Hereditary Cancer Syndrome; Hereditary neoplastic syndrome. Identifiers: Orphanet 140162, MedGen C0027672, MeSH D009386, MONDO:0015356.

Submission:

Ambry Genetics
Classification: Uncertain significance for Cardiovascular phenotype; Hereditary cancer-predisposing syndrome. Last evaluated: 2026-04-23. Review status: criteria provided, single submitter. Criteria: Ambry Variant Classification Scheme 2023. Collection method: clinical testing. Allele origin: germline.
Comment: The c.2488_2491dupGACA variant, located in coding exon 21 of the LZTR1 gene, results from a duplication of GACA at nucleotide position 2488, causing a translational frameshift with a predicted alternate stop codon (p.K831Rfs*21). This variant occurs at the 3' terminus of the gene, is not expected to trigger nonsense-mediated mRNAdecay and results in the elongation of the protein by 10 amino acids. This frameshift impacts the last 10 AAamino acids of the native protein. The exact functional effect of the altered amino acids is unknown. Based on the available evidence, the clinical significance of this variant remains unclear.